The following is an entry in ClinVar:

NM_006031.6(PCNT):c.6922-5_6922-4insCCTGA

Gene: PCNT (pericentrin; plus strand). Cytogenetic location: 21q22.3.
Variant type: Insertion.
Coding change: c.6922-5_6922-4insCCTGA on transcript NM_006031.6 (MANE Select); 5 bases into the intron before coding-DNA position 6922 through 4 bases into the intron before coding-DNA position 6922, CCTGA inserted.
Molecular consequence: intron variant.
Genome position: GRCh38 VCF-style: chr21-46418198-T-TACCTG. GRCh37 (hg19) VCF-style: chr21-47838112-T-TACCTG.
Other names: c.6568-5_6568-4insCCTGA (NM_001315529.2).
Identifiers: ClinVar variation 432920 (VCV000432920.2), dbSNP rs59957960, ClinGen allele CA645372663.

ClinVar aggregate classification (germline): Uncertain significance (1 of 4 stars; one submission).

Submission:

GeneDx
Classification: Uncertain significance. Last evaluated: 2017-06-28. Review status: criteria provided, single submitter. Criteria: GeneDx Variant Classification (06012015). Collection method: clinical testing. Allele origin: germline. Affected: yes.
Comment: A variant of uncertain significance has been identified in the PCNT gene. The c.6922-5_6922-4insCCTGA variant has not been published as a pathogenic variant, nor has it been reported as a benign variant to our knowledge. The c.6922-5_6922-4insCCTGA variant is not observed in large population cohorts (Lek et al., 2016; 1000 Genomes Consortium et al., 2015; Exome Variant Server). Several in-silico splice prediction models predict that c.6922-5_6922-4insCCTGA damages or destroys the natural acceptor site in intron 30 and may lead to abnormal gene splicing. However, in the absence of RNA/functional studies, the actual effect of this sequence change in this individual is unknown. Therefore, based on the currently available information, it is unclear whether this variant is a pathogenic variant or a rare benign variant.